The following is an entry in ClinVar:

ClinVar aggregate classification (germline): Uncertain significance (1 of 4 stars; one submission).

Allele frequency attached by ClinVar (database versions not stated): ExAC 0.00001; gnomAD 0.00001; gnomAD exomes 0.00001.
gnomAD v4.1: 11 of 1,614,034 alleles (0.00068%); highest among the groups gnomAD compares: Non-Finnish European, 0.00017%; no homozygotes.

Submission:

Labcorp Genetics (formerly Invitae), Labcorp
Classification: Uncertain significance. Last evaluated: 2022-03-24. Review status: criteria provided, single submitter. Criteria: Invitae Variant Classification Sherloc (09022015). Collection method: clinical testing. Allele origin: germline.
Comment: In summary, the available evidence is currently insufficient to determine the role of this variant in disease. Therefore, it has been classified as a Variant of Uncertain Significance. Algorithms developed to predict the effect of missense changes on protein structure and function (SIFT, PolyPhen-2, Align-GVGD) all suggest that this variant is likely to be disruptive. This variant has not been reported in the literature in individuals affected with PCARE-related conditions. This variant is present in population databases (rs753807312, gnomAD 0.03%). This sequence change replaces glycine, which is neutral and non-polar, with alanine, which is neutral and non-polar, at codon 351 of the PCARE protein (p.Gly351Ala).

NM_001029883.3(PCARE):c.1052G>C (p.Gly351Ala)

Gene: PCARE (photoreceptor cilium actin regulator; minus strand). Cytogenetic location: 2p23.2.
Variant type: single nucleotide variant.
Coding change: c.1052G>C on transcript NM_001029883.3 (MANE Select); coding-DNA position 1052, G replaced by C.
Protein change: p.Gly351Ala; replaces glycine 351 with alanine.
Molecular consequence: missense variant.
Genome position (GRCh38, 1-based): chr2:29,073,210, C>G on the plus strand (G>C on the coding strand, the complement: PCARE is on the minus strand). VCF-style: chr2-29073210-C-G. GRCh37 (hg19) VCF-style: chr2-29296076-C-G.
Other names: short protein forms G351A.
Identifiers: ClinVar variation 1962589 (VCV001962589.5), dbSNP rs753807312, ClinGen allele CA1592512.